The following is an entry in ClinVar:

NM_000784.4(CYP27A1):c.230A>G (p.Tyr77Cys)

Gene: CYP27A1 (cytochrome P450 family 27 subfamily A member 1; plus strand). Cytogenetic location: 2q35.
Variant type: single nucleotide variant.
Coding change: c.230A>G on transcript NM_000784.4 (MANE Select); coding-DNA position 230, A replaced by G.
Protein change: p.Tyr77Cys; replaces tyrosine 77 with cysteine.
Molecular consequence: missense variant.
Genome position (GRCh38, 1-based): chr2:218,782,412, A>G. VCF-style: chr2-218782412-A-G. GRCh37 (hg19) VCF-style: chr2-219647135-A-G.
Other names: c.230A>G (NM_000784.3); short protein forms Y77C.
Identifiers: ClinVar variation 2087651 (VCV002087651.5), dbSNP rs2470202135, ClinGen allele CA350576912.

ClinVar aggregate classification (germline): Uncertain significance. Review status: criteria provided, multiple submitters, no conflicts (2 of 4 stars). 2 submissions from 2 submitters: Uncertain significance (2). Last evaluated 2025-12-15.

Conditions:
Cholestanol storage disease (CTX). Also called: CEREBRAL CHOLESTERINOSIS; CTX: Cerebrotendinous xanthomatosis; Cerebrotendinous Xanthomatosis. Identifiers: Orphanet 909, MedGen C0238052, MONDO:0008948, OMIM 213700.
CYP27A1-related disorder. Also called: CYP27A1-related condition.

Submissions (2):

PreventionGenetics, part of Exact Sciences
Classification: Uncertain significance for CYP27A1-related condition. Last evaluated: 2025-12-15. Review status: criteria provided, single submitter. Criteria: ACMG Guidelines, 2015. Collection method: clinical testing. Allele origin: germline.
Comment: The CYP27A1 c.230A>G variant is predicted to result in the amino acid substitution p.Tyr77Cys. To our knowledge, this variant has not been reported in the literature or in a large population database (gnomAD), indicating this variant is rare. At this time, the clinical significance of this variant is uncertain due to the absence of conclusive functional and genetic evidence.

Labcorp Genetics (formerly Invitae), Labcorp
Classification: Uncertain significance for Cholestanol storage disease. Last evaluated: 2022-04-18. Review status: criteria provided, single submitter. Criteria: Invitae Variant Classification Sherloc (09022015). Collection method: clinical testing. Allele origin: germline.
Comment: This sequence change replaces tyrosine, which is neutral and polar, with cysteine, which is neutral and slightly polar, at codon 77 of the CYP27A1 protein (p.Tyr77Cys). This variant is not present in population databases (gnomAD no frequency). This variant has not been reported in the literature in individuals affected with CYP27A1-related conditions. Algorithms developed to predict the effect of missense changes on protein structure and function are either unavailable or do not agree on the potential impact of this missense change (SIFT: "Deleterious"; PolyPhen-2: "Probably Damaging"; Align-GVGD: "Class C0"). In summary, the available evidence is currently insufficient to determine the role of this variant in disease. Therefore, it has been classified as a Variant of Uncertain Significance.